The following is an entry in ClinVar:

ClinVar aggregate classification (germline): Conflicting classifications of pathogenicity. Review status: criteria provided, conflicting classifications (1 of 4 stars). 2 submissions from 2 submitters: Uncertain significance (1); Benign (1). Last evaluated 2024-09-12.

Allele frequency attached by ClinVar (database versions not stated): TOPMed 0.00003; gnomAD 0.00005; ExAC 0.00008; 1000 Genomes Project 30x 0.00031; 1000 Genomes Project 0.00040.
gnomAD v4.1: 49 of 1,614,164 alleles (0.003%); highest among the groups gnomAD compares: East Asian, 0.094%; no homozygotes.

Submissions (2):

Blueprint Genetics
Classification: Benign. Last evaluated: 2024-09-12. Review status: criteria provided, single submitter. Criteria: ACMG Guidelines, 2015. Collection method: clinical testing. Allele origin: germline.

Labcorp Genetics (formerly Invitae), Labcorp
Classification: Uncertain significance. Last evaluated: 2022-05-05. Review status: criteria provided, single submitter. Criteria: Invitae Variant Classification Sherloc (09022015). Collection method: clinical testing. Allele origin: germline.
Comment: This variant is present in population databases (rs201437320, gnomAD 0.2%). This sequence change replaces tyrosine, which is neutral and polar, with cysteine, which is neutral and slightly polar, at codon 1904 of the LAMA1 protein (p.Tyr1904Cys). Algorithms developed to predict the effect of missense changes on protein structure and function (SIFT, PolyPhen-2, Align-GVGD) all suggest that this variant is likely to be tolerated. This variant has not been reported in the literature in individuals affected with LAMA1-related conditions. In summary, the available evidence is currently insufficient to determine the role of this variant in disease. Therefore, it has been classified as a Variant of Uncertain Significance.

NM_005559.4(LAMA1):c.5711A>G (p.Tyr1904Cys)

Gene: LAMA1 (laminin subunit alpha 1; minus strand). Cytogenetic location: 18p11.31.
Variant type: single nucleotide variant.
Coding change: c.5711A>G on transcript NM_005559.4 (MANE Select); coding-DNA position 5711, A replaced by G.
Protein change: p.Tyr1904Cys; replaces tyrosine 1904 with cysteine.
Molecular consequence: missense variant.
Genome position (GRCh38, 1-based): chr18:6,983,184, T>C on the plus strand (A>G on the coding strand, the complement: LAMA1 is on the minus strand). VCF-style: chr18-6983184-T-C. GRCh37 (hg19) VCF-style: chr18-6983183-T-C.
Other names: short protein forms Y1904C.
Identifiers: ClinVar variation 2417439 (VCV002417439.7), dbSNP rs201437320, ClinGen allele CA8881508.